The following is an entry in ClinVar:

NM_012431.3(SEMA3E):c.1241C>A (p.Ala414Asp)

Gene: SEMA3E (semaphorin 3E; minus strand). Cytogenetic location: 7q21.11.
Variant type: single nucleotide variant.
Coding change: c.1241C>A on transcript NM_012431.3 (MANE Select); coding-DNA position 1241, C replaced by A.
Protein change: p.Ala414Asp; replaces alanine 414 with aspartic acid.
Molecular consequence: missense variant.
Genome position (GRCh38, 1-based): chr7:83,400,153, G>T on the plus strand (C>A on the coding strand, the complement: SEMA3E is on the minus strand). VCF-style: chr7-83400153-G-T. GRCh37 (hg19) VCF-style: chr7-83029469-G-T.
Other names: c.1061C>A, p.Ala354Asp (NM_001178129.2); short protein forms A354D, A414D.
Identifiers: ClinVar variation 3352946 (VCV003352946.2).

ClinVar aggregate classification (germline): Uncertain significance. Review status: criteria provided, single submitter (1 of 4 stars). 2 submissions from 2 submitters: Uncertain significance (1). 1 of the submissions does not count toward it. Last evaluated 2025-12-09.

Conditions:
SEMA3E-related disorder. Also called: SEMA3E-related condition.

gnomAD v4.1: 4 of 1,613,688 alleles (0.00025%); highest among the groups gnomAD compares: Admixed American, 0.0017%; no homozygotes.

Submissions (2):

Ambry Genetics
Classification: Uncertain significance. Last evaluated: 2025-12-09. Review status: criteria provided, single submitter. Criteria: Ambry Variant Classification Scheme 2023. Collection method: clinical testing. Allele origin: germline.

PreventionGenetics, part of Exact Sciences
Classification: Likely benign for SEMA3E-related condition. Last evaluated: 2024-01-12. Review status: no assertion criteria provided. Collection method: clinical testing. Allele origin: germline. Not counted in ClinVar's aggregate classification.
Comment: This variant is classified as likely benign based on ACMG/AMP sequence variant interpretation guidelines (Richards et al. 2015 PMID: 25741868, with internal and published modifications).